The following is an entry in ClinVar:

ClinVar aggregate classification (germline): Conflicting classifications of pathogenicity. Review status: criteria provided, conflicting classifications (1 of 4 stars). 2 submissions from 2 submitters: Uncertain significance (1); Likely benign (1). Last evaluated 2025-03-01.

Allele frequency attached by ClinVar (database versions not stated): gnomAD 0.00001; TOPMed 0.00002; ExAC 0.00004.
gnomAD v4.1: 25 of 1,614,080 alleles (0.0015%); highest among the groups gnomAD compares: Non-Finnish European, 0.0014%; no homozygotes.

Submissions (2):

CeGaT Center for Human Genetics Tuebingen
Classification: Likely benign. Last evaluated: 2025-03-01. Review status: criteria provided, single submitter. Criteria: CeGaT Center For Human Genetics Tuebingen Variant Classification Criteria Version 2. Collection method: clinical testing. Allele origin: germline. Affected: yes. Observed: 2 variant alleles.
Comment: DMXL2: BP4

Labcorp Genetics (formerly Invitae), Labcorp
Classification: Uncertain significance. Last evaluated: 2022-10-25. Review status: criteria provided, single submitter. Criteria: Invitae Variant Classification Sherloc (09022015). Collection method: clinical testing. Allele origin: germline.
Comment: In summary, the available evidence is currently insufficient to determine the role of this variant in disease. Therefore, it has been classified as a Variant of Uncertain Significance. Algorithms developed to predict the effect of missense changes on protein structure and function (SIFT, PolyPhen-2, Align-GVGD) all suggest that this variant is likely to be tolerated. This variant has not been reported in the literature in individuals affected with DMXL2-related conditions. This variant is present in population databases (rs759451054, gnomAD 0.004%). This sequence change replaces aspartic acid, which is acidic and polar, with glycine, which is neutral and non-polar, at codon 1476 of the DMXL2 protein (p.Asp1476Gly).

NM_001378457.1(DMXL2):c.4427A>G (p.Asp1476Gly)

Gene: DMXL2 (Dmx like 2; minus strand). Cytogenetic location: 15q21.2.
Variant type: single nucleotide variant.
Coding change: c.4427A>G on transcript NM_001378457.1 (MANE Select); coding-DNA position 4427, A replaced by G.
Protein change: p.Asp1476Gly; replaces aspartic acid 1476 with glycine.
Molecular consequence: missense variant. On other transcripts: non-coding transcript variant (2), intron variant (2).
Genome position (GRCh38, 1-based): chr15:51,498,797, T>C on the plus strand (A>G on the coding strand, the complement: DMXL2 is on the minus strand). VCF-style: chr15-51498797-T-C. GRCh37 (hg19) VCF-style: chr15-51790994-T-C.
Other names: c.4427A>G, p.Asp1476Gly (NM_001378463.1, NM_015263.5, NM_001174116.3 and 4 more transcripts); c.4187A>G, p.Asp1396Gly (NM_001378464.1); c.2765-7050A>G (NM_001378460.1); c.2765-3663A>G (NM_001174117.3); short protein forms D1476G, D1396G.
Identifiers: ClinVar variation 1973305 (VCV001973305.29), dbSNP rs759451054, ClinGen allele CA7562016.
Genomic context (GRCh38, chr15:51,498,797, plus strand): 5'-ATTACTTTTGATTTGTTTTCTCTCTTTTCAGGCTCTAAATCAATATCATCCGTTGGTATA[T>C]CCTGGATTTGAAACAGCTCTGAATACTGATCCTCTGGTTGACTTACTGTCTGATCTTCAT-3'
Protein context (NP_001365386.1, residues 1466-1486): DQYSELFQIQ[Asp1476Gly]IPTDDIDLEP